The following is an entry in ClinVar:

NM_032888.4(COL27A1):c.4938+2T>C

Gene: COL27A1 (collagen type XXVII alpha 1 chain; plus strand). Cytogenetic location: 9q32.
Variant type: single nucleotide variant.
Coding change: c.4938+2T>C on transcript NM_032888.4 (MANE Select); the canonical splice donor site of the intron after coding-DNA position 4938, T replaced by C.
Molecular consequence: splice donor variant.
Genome position (GRCh38, 1-based): chr9:114,304,675, T>C. VCF-style: chr9-114304675-T-C. GRCh37 (hg19) VCF-style: chr9-117066955-T-C.
Identifiers: ClinVar variation 950305 (VCV000950305.8), dbSNP rs1828901917, ClinGen allele CA374595044.

ClinVar aggregate classification (germline): Likely pathogenic (1 of 4 stars; one submission).

Allele frequency attached by ClinVar (database versions not stated): gnomAD exomes 0.00001.
gnomAD v4.1: 3 of 1,613,552 alleles (0.00019%); highest among the groups gnomAD compares: Non-Finnish European, 0.00025%; no homozygotes.

Submission:

Labcorp Genetics (formerly Invitae), Labcorp
Classification: Likely pathogenic. Last evaluated: 2023-08-20. Review status: criteria provided, single submitter. Criteria: Invitae Variant Classification Sherloc (09022015). Collection method: clinical testing. Allele origin: germline.
Comment: In summary, the currently available evidence indicates that the variant is pathogenic, but additional data are needed to prove that conclusively. Therefore, this variant has been classified as Likely Pathogenic. Algorithms developed to predict the effect of sequence changes on RNA splicing suggest that this variant may disrupt the consensus splice site. This sequence change affects a donor splice site in intron 57 of the COL27A1 gene. It is expected to disrupt RNA splicing. Variants that disrupt the donor or acceptor splice site typically lead to a loss of protein function (PMID: 16199547), and loss-of-function variants in COL27A1 are known to be pathogenic (PMID: 24986830, 28276056). This variant is not present in population databases (gnomAD no frequency). This variant has not been reported in the literature in individuals affected with COL27A1-related conditions. ClinVar contains an entry for this variant (Variation ID: 950305).

Literature cited by the submitters: PubMed 16199547; PubMed 24986830; PubMed 28276056.